The following is an entry in ClinVar:

NM_022787.4(NMNAT1):c.165C>G (p.Tyr55Ter)

Gene: NMNAT1 (nicotinamide nucleotide adenylyltransferase 1; plus strand). Cytogenetic location: 1p36.22.
Variant type: single nucleotide variant.
Coding change: c.165C>G on transcript NM_022787.4 (MANE Select); coding-DNA position 165, C replaced by G.
Protein change: p.Tyr55Ter; replaces tyrosine 55 with a stop codon.
Molecular consequence: nonsense.
Genome position (GRCh38, 1-based): chr1:9,975,641, C>G. VCF-style: chr1-9975641-C-G. GRCh37 (hg19) VCF-style: chr1-10035699-C-G.
Other names: c.165C>G, p.Tyr55Ter (NM_001297778.1, NM_001297779.2); short protein forms Y55*.
Identifiers: ClinVar variation 2081952 (VCV002081952.4), dbSNP rs1017147686, ClinGen allele CA338684330.

ClinVar aggregate classification (germline): Pathogenic (1 of 4 stars; one submission).

Conditions:
Leber congenital amaurosis 9 (LCA9). Also called: LCA9 Leber Congenital Amaurosis; LCA 9; Amaurosis congenita of Leber, type 9. Identifiers: Orphanet 65, MedGen C1837873, MONDO:0012056, OMIM 608553.

gnomAD v4.1: 2 of 1,613,842 alleles (0.00012%); highest among the groups gnomAD compares: African/African-American, 0.0027%; no homozygotes.

Submission:

Labcorp Genetics (formerly Invitae), Labcorp
Classification: Pathogenic for Leber congenital amaurosis 9. Last evaluated: 2022-09-19. Review status: criteria provided, single submitter. Criteria: Invitae Variant Classification Sherloc (09022015). Collection method: clinical testing. Allele origin: germline.
Comment: For these reasons, this variant has been classified as Pathogenic. Algorithms developed to predict the effect of sequence changes on RNA splicing suggest that this variant may create or strengthen a splice site. This variant has not been reported in the literature in individuals affected with NMNAT1-related conditions. This variant is present in population databases (no rsID available, gnomAD 0.01%). This sequence change creates a premature translational stop signal (p.Tyr55*) in the NMNAT1 gene. It is expected to result in an absent or disrupted protein product. Loss-of-function variants in NMNAT1 are known to be pathogenic (PMID: 22842229).

Literature cited by the submitters: PubMed 22842229.